The following is an entry in ClinVar:

ClinVar aggregate classification (germline): Uncertain significance. Review status: criteria provided, multiple submitters, no conflicts (2 of 4 stars). 2 submissions from 2 submitters: Uncertain significance (2). Last evaluated 2025-05-06.

Conditions:
AHDC1-related intellectual disability - obstructive sleep apnea - mild dysmorphism syndrome. Also called: Xia-Gibbs syndrome. Identifiers: Orphanet 412069, MedGen C4014419, MONDO:0014358, OMIM 615829.

Allele frequency attached by ClinVar (database versions not stated): ExAC 0.00001; gnomAD 0.00001; gnomAD exomes 0.00001; TOPMed 0.00002.
gnomAD v4.1: 13 of 1,610,210 alleles (0.00081%); highest among the groups gnomAD compares: African/African-American, 0.004%; no homozygotes.

Submissions (2):

Labcorp Genetics (formerly Invitae), Labcorp
Classification: Uncertain significance. Last evaluated: 2025-05-06. Review status: criteria provided, single submitter. Criteria: Invitae Variant Classification Sherloc (09022015). Collection method: clinical testing. Allele origin: germline.
Comment: This sequence change replaces arginine, which is basic and polar, with cysteine, which is neutral and slightly polar, at codon 90 of the AHDC1 protein (p.Arg90Cys). This variant is present in population databases (rs776449449, gnomAD 0.004%). This variant has not been reported in the literature in individuals affected with AHDC1-related conditions. ClinVar contains an entry for this variant (Variation ID: 2955919). An algorithm developed to predict the effect of missense changes on protein structure and function outputs the following: PolyPhen-2: "Possibly Damaging". The cysteine amino acid residue is found in multiple mammalian species, which suggests that this missense change does not adversely affect protein function. In summary, the available evidence is currently insufficient to determine the role of this variant in disease. Therefore, it has been classified as a Variant of Uncertain Significance.

Department of Pathology and Laboratory Medicine, Sinai Health System
Classification: Uncertain significance for AHDC1-related intellectual disability - obstructive sleep apnea - mild dysmorphism syndrome. Last evaluated: 2022-10-21. Review status: criteria provided, single submitter. Criteria: ACMG Guidelines, 2015. Collection method: research. Allele origin: germline.

NM_001371928.1(AHDC1):c.268C>T (p.Arg90Cys)

Gene: AHDC1 (AT-hook DNA binding motif containing 1; minus strand). Cytogenetic location: 1p36.11.
Variant type: single nucleotide variant.
Coding change: c.268C>T on transcript NM_001371928.1 (MANE Select); coding-DNA position 268, C replaced by T.
Protein change: p.Arg90Cys; replaces arginine 90 with cysteine.
Molecular consequence: missense variant.
Genome position (GRCh38, 1-based): chr1:27,551,848, G>A on the plus strand (C>T on the coding strand, the complement: AHDC1 is on the minus strand). VCF-style: chr1-27551848-G-A. GRCh37 (hg19) VCF-style: chr1-27878359-G-A.
Other names: c.268C>T, p.Arg90Cys (NM_001029882.3); short protein forms R90C.
Identifiers: ClinVar variation 2955919 (VCV002955919.4), dbSNP rs776449449, ClinGen allele CA716185.